The following is an entry in ClinVar:

NM_004329.3(BMPR1A):c.-15del

Gene: BMPR1A (bone morphogenetic protein receptor type 1A; plus strand). Cytogenetic location: 10q23.2.
Variant type: Deletion.
Coding change: c.-15del on transcript NM_004329.3 (MANE Select); 15 bases upstream of the start codon, one base deleted (C; older notation c.-15delC).
Molecular consequence: 5 prime UTR variant. On other transcripts: non-coding transcript variant (3), intron variant (4).
Genome position (GRCh38, 1-based): chr10:86,876,004, C deleted. VCF-style (leftmost placement, unchanged base first): chr10-86876003-AC-A. GRCh37 (hg19) VCF-style: chr10-88635760-AC-A.
Other names: c.-15del (NM_001406559.1, NM_001406560.1, NM_001406561.1 and 23 more transcripts); c.-94del (NM_001406588.1); c.-17-14058del (NM_001406584.1, NM_001406587.1, NM_001406585.1); c.-12-14063del (NM_001406586.1).
Identifiers: ClinVar variation 3073631 (VCV003073631.1), dbSNP rs1200388118, ClinGen allele CA595055552.
Genomic context (GRCh38, chr10:86,876,003, plus strand): 5'-ATAGTCATTTAAATTGGTGAAGTAGCAAGACCAATTATTAAAGGTGACAGTACACAGGAA[AC>A]ATTACAATTGAACAATGCCTCAGCTATACATTTACATCAGATTATTGGGAGCCTATTTGT-3'

ClinVar aggregate classification (germline): Uncertain significance (1 of 4 stars; one submission).

Conditions:
Juvenile polyposis syndrome (JPS). Identifiers: Orphanet 2929, MedGen C0345893, MONDO:0017380, OMIM 174900.

Allele frequency attached by ClinVar (database versions not stated): gnomAD exomes below 0.00001.

Submission:

All of Us Research Program, National Institutes of Health
Classification: Uncertain significance for Juvenile polyposis syndrome. Last evaluated: 2023-10-02. Review status: criteria provided, single submitter. Criteria: ACMG Guidelines, 2015. Collection method: clinical testing. Allele origin: germline. Inheritance: Autosomal dominant inheritance. Observed: 1 variant allele, 1 heterozygote.
Comment: This study involves interpretation of variants in research participants for the purpose of population health screening. Participant phenotype was not available at the time of variant classification. Additional details can be found in publication PMID: 35346344, PMCID: PMC8962531